The following is an entry in ClinVar:

ClinVar aggregate classification (germline): Pathogenic/Likely pathogenic. Review status: criteria provided, multiple submitters, no conflicts (2 of 4 stars). 4 submissions from 4 submitters: Pathogenic (2); Likely pathogenic (2). Last evaluated 2026-09-19.

Conditions:
Cobalamin C disease. Also called: Cobalamin-C methylmalonic acidemia and homocystinuria; Methylmalonic acidemia and homocystinuria cblC type; Methylmalonic aciduria with homocystinuria cblC type; Methylmalonic aciduria and homocystinuria, Vitamin B12-responsive; Vitamin B12 metabolic defect with combined deficiency of methylmalonyl-CoA mutase and homocysteine:methyltetrahydrofolate methyltransferase; methylmalonic aciduria and homocystinuria type cblC. Identifiers: Orphanet 26, Orphanet 79282, MedGen C1848561, MONDO:0010184, OMIM 277400.
Methylmalonic aciduria and homocystinuria type cblD (MAHCD). Also called: Methylmalonic aciduria with homocystinuria cblD type; METHYLMALONIC ACIDEMIA, cblH TYPE. Identifiers: Orphanet 622, Orphanet 79283, MedGen C1848552, MONDO:0010185, OMIM 277410.

Submissions (4):

GeneDx
Classification: Likely pathogenic. Last evaluated: 2026-09-19. Review status: criteria provided, single submitter. Criteria: GeneDx Variant Classification Process June 2021. Collection method: clinical testing. Allele origin: germline.
Comment: Published functional studies suggest the variant may lead to expression of truncated protein; however, additional data is needed (PMID: 33552904); Not observed at significant frequency in large population cohorts (gnomAD); Nonsense variant predicted to result in protein truncation, as the last 81 amino acid(s) are lost, and other loss-of-function variants have been reported downstream in HGMD; This variant is associated with the following publications: (PMID: 33552904)

Natera, Inc.
Classification: Likely pathogenic for Methylmalonic aciduria with homocystinuria cblD type. Last evaluated: 2025-05-30. Review status: criteria provided, single submitter. Criteria: Natera Variant Classification Schema (03/2026). Collection method: clinical testing. Allele origin: germline.
Comment: The c.646C>T variant in MMADHC is a nonsense variant predicted to introduce a stop codon at amino acid 216. This variant is expected to result in nonsense mediated decay, truncation, or a dysfunctional protein product. This variant is rare in the general population with a frequency below the threshold expected for the associated phenotype(s). Given the available evidence, this variant is classified as Likely Pathogenic.

Women's Health and Genetics/Laboratory Corporation of America, LabCorp
Classification: Pathogenic for Cobalamin C disease. Last evaluated: 2023-03-02. Review status: criteria provided, single submitter. Criteria: LabCorp Variant Classification Summary - May 2015. Collection method: clinical testing. Allele origin: germline.
Comment: Variant summary: MMADHC c.646C>T (p.Arg216X) results in a premature termination codon, predicted to cause a truncation of the encoded protein or absence of the protein due to nonsense mediated decay, which are commonly known mechanisms for disease. Truncations downstream of this position have been associated with Methylmalonic Acidemia With Homocystinuria in HGMD. The variant allele was found at a frequency of 4e-06 in 250912 control chromosomes. To our knowledge, no occurrence of c.646C>T in individuals affected with Methylmalonic Acidemia With Homocystinuria has been reported. At least one publication reports experimental evidence showing that this variant results in a truncated protein (Torices_2021). One clinical diagnostic laboratory has submitted clinical-significance assessments for this variant to ClinVar after 2014 without evidence for independent evaluation and classified the variant as pathogenic. Based on the evidence outlined above, the variant was classified as pathogenic.

Labcorp Genetics (formerly Invitae), Labcorp
Classification: Pathogenic for Methylmalonic aciduria and homocystinuria type cblD. Last evaluated: 2023-02-13. Review status: criteria provided, single submitter. Criteria: Invitae Variant Classification Sherloc (09022015). Collection method: clinical testing. Allele origin: germline.
Comment: This variant has not been reported in the literature in individuals affected with MMADHC-related conditions. For these reasons, this variant has been classified as Pathogenic. Algorithms developed to predict the effect of sequence changes on RNA splicing suggest that this variant may disrupt the consensus splice site. ClinVar contains an entry for this variant (Variation ID: 960731). This variant is not present in population databases (gnomAD no frequency). This sequence change creates a premature translational stop signal (p.Arg216*) in the MMADHC gene. It is expected to result in an absent or disrupted protein product. Loss-of-function variants in MMADHC are known to be pathogenic (PMID: 18385497).

Literature cited by the submitters: PubMed 33552904 (cited by Women's Health and Genetics/Laboratory Corporation of America, LabCorp); PubMed 18385497 (cited by Labcorp Genetics (formerly Invitae), Labcorp).

NM_015702.3(MMADHC):c.646C>T (p.Arg216Ter)

Gene: MMADHC (metabolism of cobalamin associated D; minus strand). Cytogenetic location: 2q23.2.
Variant type: single nucleotide variant.
Coding change: c.646C>T on transcript NM_015702.3 (MANE Select); coding-DNA position 646, C replaced by T.
Protein change: p.Arg216Ter; replaces arginine 216 with a stop codon.
Molecular consequence: nonsense.
Genome position (GRCh38, 1-based): chr2:149,571,135, G>A on the plus strand (C>T on the coding strand, the complement: MMADHC is on the minus strand). VCF-style: chr2-149571135-G-A. GRCh37 (hg19) VCF-style: chr2-150427649-G-A.
Other names: short protein forms R216*.
Identifiers: ClinVar variation 960731 (VCV000960731.12), dbSNP rs141093638, ClinGen allele CA348869598.
Genomic context (GRCh38, chr2:149,571,135, plus strand): 5'-AATTACTCACTGCCAAACCAGATGATGGGTCAATAAAGTCAGCCCAATAACCCTCAGCTC[G>A]AAGAGCATAGCAAATTTCCTTAGCACCATTGATGAACTGCAATGGAAGTCACAAATAATA-3'